The following is an entry in ClinVar:

ClinVar aggregate classification (germline): Uncertain significance (1 of 4 stars; one submission).

Submission:

GeneDx
Classification: Uncertain significance. Last evaluated: 2026-03-18. Review status: criteria provided, single submitter. Criteria: GeneDx Variant Classification Process June 2021. Collection method: clinical testing. Allele origin: germline.
Comment: Not observed at significant frequency in large population cohorts (gnomAD); In silico analysis supports that this missense variant has a deleterious effect on protein structure/function; Has not been previously published as pathogenic or benign to our knowledge

NM_005639.3(SYT1):c.331G>A (p.Gly111Arg)

Gene: SYT1 (synaptotagmin 1; plus strand). Cytogenetic location: 12q21.2.
Variant type: single nucleotide variant.
Coding change: c.331G>A on transcript NM_005639.3 (MANE Select); coding-DNA position 331, G replaced by A.
Protein change: p.Gly111Arg; replaces glycine 111 with arginine.
Molecular consequence: missense variant.
Genome position (GRCh38, 1-based): chr12:79,285,951, G>A. VCF-style: chr12-79285951-G-A. GRCh37 (hg19) VCF-style: chr12-79679731-G-A.
Other names: c.331G>A, p.Gly111Arg (NM_001135805.2, NM_001135806.2, NM_001291901.2 and 6 more transcripts); short protein forms G111R.
Identifiers: ClinVar variation 5009329 (VCV005009329.1).